The following is an entry in ClinVar:

ClinVar aggregate classification (germline): Uncertain significance (1 of 4 stars; one submission).

Allele frequency attached by ClinVar (database versions not stated): gnomAD exomes below 0.00001; TOPMed 0.00001.
gnomAD v4.1: 1 of 1,614,158 alleles (0.000062%); highest among the groups gnomAD compares: Non-Finnish European, 0.000085%; no homozygotes.

Submission:

Labcorp Genetics (formerly Invitae), Labcorp
Classification: Uncertain significance. Last evaluated: 2021-08-11. Review status: criteria provided, single submitter. Criteria: Invitae Variant Classification Sherloc (09022015). Collection method: clinical testing. Allele origin: germline.
Comment: In summary, the available evidence is currently insufficient to determine the role of this variant in disease. Therefore, it has been classified as a Variant of Uncertain Significance. Advanced modeling of protein sequence and biophysical properties (such as structural, functional, and spatial information, amino acid conservation, physicochemical variation, residue mobility, and thermodynamic stability) performed at Invitae indicates that this missense variant is not expected to disrupt PCDH12 protein function. This variant has not been reported in the literature in individuals affected with PCDH12-related conditions. This variant is not present in population databases (ExAC no frequency). This sequence change replaces cysteine with tyrosine at codon 789 of the PCDH12 protein (p.Cys789Tyr). The cysteine residue is weakly conserved and there is a large physicochemical difference between cysteine and tyrosine.

NM_016580.4(PCDH12):c.2366G>A (p.Cys789Tyr)

Genes: PCDH12 (protocadherin 12; minus strand), RNF14 (ring finger protein 14; plus strand). Cytogenetic location: 5q31.3.
Variant type: single nucleotide variant.
Coding change: c.2366G>A on transcript NM_016580.4 (MANE Select); coding-DNA position 2366, G replaced by A.
Protein change: p.Cys789Tyr; replaces cysteine 789 with tyrosine.
Molecular consequence: missense variant.
Genome position (GRCh38, 1-based): chr5:141,955,486, C>T on the plus strand (G>A on the coding strand, the complement: PCDH12 is on the minus strand). VCF-style: chr5-141955486-C-T. GRCh37 (hg19) VCF-style: chr5-141335051-C-T.
Other names: short protein forms C789Y.
Identifiers: ClinVar variation 1511934 (VCV001511934.6), dbSNP rs916655339, ClinGen allele CA128479484.